The following is an entry in ClinVar:

NM_007294.4(BRCA1):c.3306T>C (p.Asn1102=)

Genes: BRCA1 (BRCA1 DNA repair associated; minus strand), LOC126862571 (BRD4-independent group 4 enhancer GRCh37_chr17:41243136-41244335; plus strand). Cytogenetic location: 17q21.31.
Variant type: single nucleotide variant.
Coding change: c.3306T>C on transcript NM_007294.4 (MANE Select); coding-DNA position 3306, T replaced by C.
Protein change: p.Asn1102=; no amino-acid change (asparagine 1102 retained).
Molecular consequence: synonymous variant. On other transcripts: intron variant (137).
Genome position (GRCh38, 1-based): chr17:43,092,225, A>G on the plus strand (T>C on the coding strand, the complement: BRCA1 is on the minus strand). VCF-style: chr17-43092225-A-G. GRCh37 (hg19) VCF-style: chr17-41244242-A-G.
Other names: c.3093T>C, p.Asn1031= (NM_001407571.1, NM_001407853.1, NM_001407894.1 and 9 more transcripts); c.3306T>C, p.Asn1102= (NM_001407581.1, NM_001407582.1, NM_001407583.1 and 30 more transcripts); c.3303T>C, p.Asn1101= (NM_001407587.1, NM_001407590.1, NM_001407591.1 and 22 more transcripts); c.3297T>C, p.Asn1099= (NM_001407646.1, NM_001407647.1); c.3183T>C, p.Asn1061= (NM_001407648.1, NM_001407664.1, NM_001407665.1 and 19 more transcripts); c.3180T>C, p.Asn1060= (NM_001407649.1, NM_001407670.1, NM_001407671.1 and 11 more transcripts); c.3228T>C, p.Asn1076= (NM_001407653.1, NM_001407654.1, NM_001407655.1 and 4 more transcripts); c.3225T>C, p.Asn1075= (NM_001407659.1, NM_001407660.1, NM_001407661.1 and 1 more transcripts); and 41 more.
Identifiers: ClinVar variation 230607 (VCV000230607.32), dbSNP rs876658664, ClinGen allele CA10580567.

ClinVar aggregate classification (germline): Likely benign. Review status: reviewed by expert panel (3 of 4 stars). 8 submissions from 8 submitters: Likely benign (1). 7 of the submissions do not count toward it. Last evaluated 2017-06-29.

Conditions:
Hereditary cancer-predisposing syndrome. Also called: Neoplastic Syndromes, Hereditary; Hereditary Cancer Syndrome; Tumor predisposition; Hereditary neoplastic syndrome. Identifiers: Orphanet 140162, MedGen C0027672, MeSH D009386, MONDO:0015356.
Hereditary breast ovarian cancer syndrome. Also called: BRCA1- and BRCA2-Associated Hereditary Breast and Ovarian Cancer; Hereditary breast and ovarian cancer syndrome (HBOC); Hereditary breast and ovarian cancer syndrome; Hereditary breast and ovarian cancer; Hereditary breast and/or ovarian cancer syndrome; Breast and ovarian cancer. Identifiers: Orphanet 145, MedGen C0677776, MeSH D061325, MONDO:0003582. Disease mechanism: loss of function.
Breast-ovarian cancer, familial, susceptibility to, 1 (BROVCA1). Also called: OVARIAN CANCER, SUSCEPTIBILITY TO; BRCA1 Hereditary Breast and Ovarian Cancer. Identifiers: Orphanet 145, MedGen C2676676, MONDO:0011450, OMIM 604370. Disease mechanism: loss of function.

Allele frequency attached by ClinVar (database versions not stated): gnomAD 0.00001; gnomAD exomes 0.00001; TOPMed 0.00002.
gnomAD v4.1: 5 of 1,613,396 alleles (0.00031%); highest among the groups gnomAD compares: African/African-American, 0.004%; no homozygotes.

Submissions (8):

Evidence-based Network for the Interpretation of Germline Mutant Alleles (ENIGMA)
Classification: Likely benign for Breast-ovarian cancer, familial, susceptibility to, 1. Last evaluated: 2017-06-29. Review status: reviewed by expert panel. Criteria: ENIGMA BRCA1/2 Classification Criteria (2017-06-29). Collection method: curation. Allele origin: germline.
Comment: Synonymous substitution variant, with low bioinformatic likelihood to result in a splicing aberration (Splicing prior probability 0.02).

Labcorp Genetics (formerly Invitae), Labcorp
Classification: Likely benign for Hereditary breast ovarian cancer syndrome. Last evaluated: 2025-09-20. Review status: criteria provided, single submitter. Criteria: Invitae Variant Classification Sherloc (09022015). Collection method: clinical testing. Allele origin: germline. Not counted in ClinVar's aggregate classification.

CeGaT Center for Human Genetics Tuebingen
Classification: Likely benign. Last evaluated: 2025-03-01. Review status: criteria provided, single submitter. Criteria: CeGaT Center For Human Genetics Tuebingen Variant Classification Criteria Version 2. Collection method: clinical testing. Allele origin: germline. Affected: yes. Observed: 1 variant allele. Not counted in ClinVar's aggregate classification.
Comment: BRCA1: BP4, BP7

All of Us Research Program, National Institutes of Health
Classification: Likely benign for Breast-ovarian cancer, familial, susceptibility to, 1. Last evaluated: 2023-06-28. Review status: criteria provided, single submitter. Criteria: ACMG Guidelines, 2015. Collection method: clinical testing. Allele origin: germline. Inheritance: Autosomal dominant inheritance. Observed: 2 variant alleles, 2 heterozygotes. Not counted in ClinVar's aggregate classification.
Comment: This study involves interpretation of variants in research participants for the purpose of population health screening. Participant phenotype was not available at the time of variant classification. Additional details can be found in publication PMID: 35346344, PMCID: PMC8962531

Quest Diagnostics Nichols Institute San Juan Capistrano
Classification: Likely benign. Last evaluated: 2022-10-27. Review status: criteria provided, single submitter. Criteria: Quest Diagnostics criteria. Collection method: clinical testing. Allele origin: unknown. Not counted in ClinVar's aggregate classification.

Color Diagnostics, LLC DBA Color Health
Classification: Likely benign for Hereditary cancer-predisposing syndrome. Last evaluated: 2021-12-30. Review status: criteria provided, single submitter. Criteria: ACMG Guidelines, 2015. Collection method: clinical testing. Allele origin: germline. Not counted in ClinVar's aggregate classification.

Ambry Genetics
Classification: Likely benign for Hereditary cancer-predisposing syndrome. Last evaluated: 2015-03-05. Review status: criteria provided, single submitter. Criteria: Ambry Variant Classification Scheme 2023. Collection method: clinical testing. Allele origin: germline. Not counted in ClinVar's aggregate classification.

GeneDx
Classification: Benign. Last evaluated: 2015-03-03. Review status: criteria provided, single submitter. Criteria: GeneDx Variant Classification Process June 2021. Collection method: clinical testing. Allele origin: germline. Affected: yes. Not counted in ClinVar's aggregate classification.